The following is an entry in ClinVar:

ClinVar aggregate classification (germline): Uncertain significance. Review status: criteria provided, multiple submitters, no conflicts (2 of 4 stars). 2 submissions from 2 submitters: Uncertain significance (2). Last evaluated 2024-03-31.

Conditions:
Inborn genetic diseases. Identifiers: MedGen C0950123, MeSH D030342.

Allele frequency attached by ClinVar (database versions not stated): gnomAD exomes below 0.00001.
gnomAD v4.1: 1 of 1,612,808 alleles (0.000062%); highest among the groups gnomAD compares: Admixed American, 0.0017%; no homozygotes.

Submissions (2):

Ambry Genetics
Classification: Uncertain significance for Inborn genetic diseases. Last evaluated: 2024-03-31. Review status: criteria provided, single submitter. Criteria: Ambry Variant Classification Scheme 2023. Collection method: clinical testing. Allele origin: germline.

ARUP Laboratories, Molecular Genetics and Genomics, ARUP Laboratories
Classification: Uncertain significance. Last evaluated: 2021-09-03. Review status: criteria provided, single submitter. Criteria: ARUP Molecular Germline Variant Investigation Process 2021. Collection method: clinical testing. Allele origin: germline.
Comment: The POR c.358T>C; p.Tyr120His variant (rs1554557326), to our knowledge, is not reported in the medical literature or gene specific databases. This variant is only observed on one allele in the Genome Aggregation Database, indicating it is not a common polymorphism. The tyrosine at codon 120 is highly conserved, but computational analyses are uncertain whether this variant is neutral or deleterious (REVEL: 0.557). Due to limited information, the clinical significance of the p.Tyr120His variant is uncertain at this time.

NM_001395413.1(POR):c.349T>C (p.Tyr117His)

Gene: POR (cytochrome p450 oxidoreductase; plus strand). Cytogenetic location: 7q11.23.
Variant type: single nucleotide variant.
Coding change: c.349T>C on transcript NM_001395413.1 (MANE Select); coding-DNA position 349, T replaced by C.
Protein change: p.Tyr117His; replaces tyrosine 117 with histidine.
Molecular consequence: missense variant.
Genome position (GRCh38, 1-based): chr7:75,979,571, T>C. VCF-style: chr7-75979571-T-C. GRCh37 (hg19) VCF-style: chr7-75608889-T-C.
Other names: c.358T>C (NM_000941.2); c.349T>C, p.Tyr117His (NM_001367562.3, NM_001382657.2, NM_001382658.3 and 2 more transcripts); c.403T>C, p.Tyr135His (NM_001382655.3); short protein forms Y117H, Y135H.
Identifiers: ClinVar variation 1330593 (VCV001330593.8), dbSNP rs1554557326, ClinGen allele CA367747562.